The following is an entry in ClinVar:

ClinVar aggregate classification (germline): Uncertain significance (1 of 4 stars; one submission).

Conditions:
Catecholaminergic polymorphic ventricular tachycardia 1. Also called: RYR2-Related Catecholaminergic Polymorphic Ventricular Tachycardia; VENTRICULAR TACHYCARDIA, STRESS-INDUCED POLYMORPHIC 1; VENTRICULAR TACHYCARDIA, CATECHOLAMINERGIC POLYMORPHIC, 1, WITH OR WITHOUT ATRIAL DYSFUNCTION AND/OR DILATED CARDIOMYOPATHY. Identifiers: Orphanet 3286, MedGen C1631597, MONDO:0011484, OMIM 604772.

gnomAD v4.1: 2 of 1,613,836 alleles (0.00012%); highest among the groups gnomAD compares: Admixed American, 0.0033%; no homozygotes.

Submission:

Labcorp Genetics (formerly Invitae), Labcorp
Classification: Uncertain significance for Catecholaminergic polymorphic ventricular tachycardia 1. Last evaluated: 2025-12-21. Review status: criteria provided, single submitter. Criteria: Invitae Variant Classification Sherloc (09022015). Collection method: clinical testing. Allele origin: germline.
Comment: This sequence change replaces threonine, which is neutral and polar, with alanine, which is neutral and non-polar, at codon 66 of the RYR2 protein (p.Thr66Ala). This variant is present in population databases (rs767517826, gnomAD 0.006%). This variant has not been reported in the literature in individuals affected with RYR2-related conditions. Invitae Evidence Modeling of protein sequence and biophysical properties (such as structural, functional, and spatial information, amino acid conservation, physicochemical variation, residue mobility, and thermodynamic stability) indicates that this missense variant is not expected to disrupt RYR2 protein function with a negative predictive value of 95%. In summary, the available evidence is currently insufficient to determine the role of this variant in disease. Therefore, it has been classified as a Variant of Uncertain Significance.

NM_001035.3(RYR2):c.196A>G (p.Thr66Ala)

Gene: RYR2 (ryanodine receptor 2; plus strand). Cytogenetic location: 1q43.
Variant type: single nucleotide variant.
Coding change: c.196A>G on transcript NM_001035.3 (MANE Select); coding-DNA position 196, A replaced by G.
Protein change: p.Thr66Ala; replaces threonine 66 with alanine.
Molecular consequence: missense variant.
Genome position (GRCh38, 1-based): chr1:237,330,905, A>G. VCF-style: chr1-237330905-A-G. GRCh37 (hg19) VCF-style: chr1-237494205-A-G.
Other names: short protein forms T66A.
Identifiers: ClinVar variation 4767127 (VCV004767127.1).